The following is an entry in ClinVar:

NC_000002.11:g.(?_169780132)_(170218909_?)del

Genes: ABCB11 (ATP binding cassette subfamily B member 11; minus strand), DHRS9 (dehydrogenase/reductase 9; plus strand), LRP2 (LDL receptor related protein 2; minus strand). Cytogenetic location: 2q31.1.
Variant type: Deletion.
Identifiers: ClinVar variation 3247528 (VCV003247528.1).

ClinVar aggregate classification (germline): Pathogenic (1 of 4 stars; one submission).

Submission:

Labcorp Genetics (formerly Invitae), Labcorp
Classification: Pathogenic. Last evaluated: 2023-11-13. Review status: criteria provided, single submitter. Criteria: Invitae Variant Classification Sherloc (09022015). Collection method: clinical testing. Allele origin: unknown.
Comment: A gross deletion of the genomic region encompassing the full coding sequence of the LRP2 gene has been identified. Loss-of-function variants in LRP2 are known to be pathogenic (PMID: 17632512, 25682901). The boundaries of this event are unknown as they extend beyond the assayed region for this gene and therefore may encompass additional genes. This variant has not been reported in the literature in individuals affected with LRP2-related conditions. For these reasons, this variant has been classified as Pathogenic.

Literature cited by the submitters: PubMed 17632512; PubMed 25682901.